The following is an entry in ClinVar:

NM_015346.4(ZFYVE26):c.6943del (p.Thr2315fs)

Gene: ZFYVE26 (zinc finger FYVE-type containing 26; minus strand). Cytogenetic location: 14q24.1.
Variant type: Deletion.
Coding change: c.6943del on transcript NM_015346.4 (MANE Select); coding-DNA position 6943, one base deleted (A; older notation c.6943delA).
Protein change: p.Thr2315fs; shifts the reading frame from threonine 2315.
Molecular consequence: frameshift variant.
Genome position (GRCh38, 1-based): chr14:67,755,094, T deleted on the plus strand (A on the coding strand, the reverse complement: ZFYVE26 is on the minus strand); the first of 4 consecutive T bases (chr14:67,755,094-67,755,097); deleting any one gives the same sequence. VCF-style (leftmost placement, unchanged base first): chr14-67755093-GT-G. GRCh37 (hg19) VCF-style: chr14-68221810-GT-G.
Other names: short protein forms T2315fs.
Identifiers: ClinVar variation 4760493 (VCV004760493.1).

ClinVar aggregate classification (germline): Pathogenic (1 of 4 stars; one submission).

Conditions:
Spastic paraplegia. Identifiers: MedGen C0037772, HP:0001258.

Submission:

Labcorp Genetics (formerly Invitae), Labcorp
Classification: Pathogenic for Spastic paraplegia. Last evaluated: 2025-04-01. Review status: criteria provided, single submitter. Criteria: Invitae Variant Classification Sherloc (09022015). Collection method: clinical testing. Allele origin: germline.
Comment: This sequence change creates a premature translational stop signal (p.Thr2315Profs*8) in the ZFYVE26 gene. It is expected to result in an absent or disrupted protein product. Loss-of-function variants in ZFYVE26 are known to be pathogenic (PMID: 18394578, 19805727). This variant is not present in population databases (gnomAD no frequency). This variant has not been reported in the literature in individuals affected with ZFYVE26-related conditions. For these reasons, this variant has been classified as Pathogenic.

Literature cited by the submitters: PubMed 18394578; PubMed 19805727.